The following is an entry in ClinVar:

ClinVar aggregate classification (germline): Uncertain significance (1 of 4 stars; one submission).

Submission:

CeGaT Center for Human Genetics Tuebingen
Classification: Uncertain significance. Last evaluated: 2024-04-01. Review status: criteria provided, single submitter. Criteria: CeGaT Center For Human Genetics Tuebingen Variant Classification Criteria Version 2. Collection method: clinical testing. Allele origin: germline. Affected: yes. Observed: 1 variant allele.
Comment: CASR: PM2, PM3:Supporting, PP3

NM_000388.4(CASR):c.2013G>C (p.Glu671Asp)

Gene: CASR (calcium sensing receptor; plus strand). Cytogenetic location: 3q21.1.
Variant type: single nucleotide variant.
Coding change: c.2013G>C on transcript NM_000388.4 (MANE Select); coding-DNA position 2013, G replaced by C.
Protein change: p.Glu671Asp; replaces glutamic acid 671 with aspartic acid.
Molecular consequence: missense variant.
Genome position (GRCh38, 1-based): chr3:122,283,967, G>C. VCF-style: chr3-122283967-G-C. GRCh37 (hg19) VCF-style: chr3-122002814-G-C.
Other names: c.2043G>C, p.Glu681Asp (NM_001178065.2); short protein forms E671D, E681D.
Identifiers: ClinVar variation 3234580 (VCV003234580.20), dbSNP rs2473277464, ClinGen allele CA354158302.